The following is an entry in ClinVar:

NM_003098.3(SNTA1):c.542G>A (p.Gly181Asp)

Gene: SNTA1 (syntrophin alpha 1; minus strand). Cytogenetic location: 20q11.21.
Variant type: single nucleotide variant.
Coding change: c.542G>A on transcript NM_003098.3 (MANE Select); coding-DNA position 542, G replaced by A.
Protein change: p.Gly181Asp; replaces glycine 181 with aspartic acid.
Molecular consequence: missense variant.
Genome position (GRCh38, 1-based): chr20:33,417,878, C>T on the plus strand (G>A on the coding strand, the complement: SNTA1 is on the minus strand). VCF-style: chr20-33417878-C-T. GRCh37 (hg19) VCF-style: chr20-32005684-C-T.
Other names: c.542G>A, p.Gly181Asp (NM_001424413.1, NM_001424414.1); short protein forms G181D.
Identifiers: ClinVar variation 3446791 (VCV003446791.1).

ClinVar aggregate classification (germline): Uncertain significance (1 of 4 stars; one submission).

Conditions:
Cardiovascular phenotype. Identifiers: MedGen CN230736.

Submission:

Ambry Genetics
Classification: Uncertain significance for Cardiovascular phenotype. Last evaluated: 2024-09-20. Review status: criteria provided, single submitter. Criteria: Ambry Variant Classification Scheme 2023. Collection method: clinical testing. Allele origin: germline.
Comment: The p.G181D variant (also known as c.542G>A), located in coding exon 3 of the SNTA1 gene, results from a G to A substitution at nucleotide position 542. The glycine at codon 181 is replaced by aspartic acid, an amino acid with similar properties. This amino acid position is conserved. In addition, this alteration is predicted to be tolerated by in silico analysis. Based on the available evidence, the clinical significance of this variant remains unclear.